The following is an entry in ClinVar:

ClinVar aggregate classification (germline): Uncertain significance (1 of 4 stars; one submission).

Conditions:
Inborn genetic diseases. Identifiers: MedGen C0950123, MeSH D030342.

gnomAD v4.1: 2 of 1,586,288 alleles (0.00013%); highest among the groups gnomAD compares: African/African-American, 0.0027%; no homozygotes.

Submission:

Ambry Genetics
Classification: Uncertain significance for Inborn genetic diseases. Last evaluated: 2025-02-02. Review status: criteria provided, single submitter. Criteria: Ambry Variant Classification Scheme 2023. Collection method: clinical testing. Allele origin: germline.
Comment: The p.K377Q variant (also known as c.1129A>C), located in coding exon 6 of the ERCC6L2 gene, results from an A to C substitution at nucleotide position 1129. The lysine at codon 377 is replaced by glutamine, an amino acid with similar properties. This amino acid position is conserved. In addition, the in silico prediction for this alteration is inconclusive. Based on the available evidence, the clinical significance of this variant remains unclear.

NM_020207.7(ERCC6L2):c.1129A>C (p.Lys377Gln)

Gene: ERCC6L2 (ERCC excision repair 6 like 2; plus strand). Cytogenetic location: 9q22.32.
Variant type: single nucleotide variant.
Coding change: c.1129A>C on transcript NM_020207.7 (MANE Select); coding-DNA position 1129, A replaced by C.
Protein change: p.Lys377Gln; replaces lysine 377 with glutamine.
Molecular consequence: missense variant. On other transcripts: non-coding transcript variant (1).
Genome position (GRCh38, 1-based): chr9:95,916,405, A>C. VCF-style: chr9-95916405-A-C. GRCh37 (hg19) VCF-style: chr9-98678687-A-C.
Other names: c.1129A>C, p.Lys377Gln (NM_001010895.4, NM_001375291.1, NM_001375292.1 and 2 more transcripts); short protein forms K377Q.
Identifiers: ClinVar variation 3845909 (VCV003845909.1).